The following is an entry in ClinVar:

ClinVar aggregate classification (germline): Uncertain significance (1 of 4 stars; one submission).

Conditions:
Oxoglutaricaciduria. Identifiers: Orphanet 31, MedGen C2752074, MONDO:0008759, OMIM 203740.

Allele frequency attached by ClinVar (database versions not stated): gnomAD exomes below 0.00001.
gnomAD v4.1: 1 of 1,614,200 alleles (0.000062%); highest among the groups gnomAD compares: Admixed American, 0.0017%; no homozygotes.

Submission:

Labcorp Genetics (formerly Invitae), Labcorp
Classification: Uncertain significance for Oxoglutaricaciduria. Last evaluated: 2022-07-19. Review status: criteria provided, single submitter. Criteria: Invitae Variant Classification Sherloc (09022015). Collection method: clinical testing. Allele origin: germline.
Comment: In summary, the available evidence is currently insufficient to determine the role of this variant in disease. Therefore, it has been classified as a Variant of Uncertain Significance. Algorithms developed to predict the effect of missense changes on protein structure and function (SIFT, PolyPhen-2, Align-GVGD) all suggest that this variant is likely to be disruptive. ClinVar contains an entry for this variant (Variation ID: 1357689). This variant has not been reported in the literature in individuals affected with OGDH-related conditions. This variant is not present in population databases (gnomAD no frequency). This sequence change replaces isoleucine, which is neutral and non-polar, with threonine, which is neutral and polar, at codon 294 of the OGDH protein (p.Ile294Thr).

NM_002541.4(OGDH):c.881T>C (p.Ile294Thr)

Gene: OGDH (oxoglutarate dehydrogenase; plus strand). Cytogenetic location: 7p13.
Variant type: single nucleotide variant.
Coding change: c.881T>C on transcript NM_002541.4 (MANE Select); coding-DNA position 881, T replaced by C.
Protein change: p.Ile294Thr; replaces isoleucine 294 with threonine.
Molecular consequence: missense variant.
Genome position (GRCh38, 1-based): chr7:44,674,503, T>C. VCF-style: chr7-44674503-T-C. GRCh37 (hg19) VCF-style: chr7-44714102-T-C.
Other names: c.881T>C, p.Ile294Thr (NM_001003941.3); c.869T>C, p.Ile290Thr (NM_001165036.2); c.914T>C, p.Ile305Thr (NM_001363523.2); short protein forms I294T, I290T, I305T.
Identifiers: ClinVar variation 1357689 (VCV001357689.8), dbSNP rs1787604277, ClinGen allele CA367410150.